The following is an entry in ClinVar:

NM_001009944.3(PKD1):c.3838G>A (p.Ala1280Thr)

Gene: PKD1 (polycystin 1, transient receptor potential channel interacting; minus strand). Cytogenetic location: 16p13.3.
Variant type: single nucleotide variant.
Coding change: c.3838G>A on transcript NM_001009944.3 (MANE Select); coding-DNA position 3838, G replaced by A.
Protein change: p.Ala1280Thr; replaces alanine 1280 with threonine.
Molecular consequence: missense variant.
Genome position (GRCh38, 1-based): chr16:2,111,329, C>T on the plus strand (G>A on the coding strand, the complement: PKD1 is on the minus strand). VCF-style: chr16-2111329-C-T. GRCh37 (hg19) VCF-style: chr16-2161330-C-T.
Other names: c.3838G>A, p.Ala1280Thr (NM_000296.4); short protein forms A1280T.
Identifiers: ClinVar variation 3780250 (VCV003780250.2).

ClinVar aggregate classification (germline): Conflicting classifications of pathogenicity. Review status: criteria provided, conflicting classifications (1 of 4 stars). 2 submissions from 2 submitters: Uncertain significance (1); Likely benign (1). Last evaluated 2026-02-17.

Conditions:
PKD1-related disorder. Also called: PKD1-related condition.
Polycystic kidney disease, adult type (PKD1). Also called: Polycystic Kidney Disease 1, Autosomal Dominant; Polycystic kidney disease 1; Polycystic kidney disease 1, severe; POLYCYSTIC KIDNEY DISEASE 1 WITH OR WITHOUT POLYCYSTIC LIVER DISEASE; Polycystic Kidney, Autosomal Dominant; POLYCYSTIC KIDNEY DISEASE, ADULT, TYPE I. Identifiers: MedGen C3149841, MONDO:0008263, OMIM 173900.

gnomAD v4.1: 79 of 1,608,186 alleles (0.0049%); highest among the groups gnomAD compares: South Asian, 0.074%; no homozygotes.

Submissions (2):

PreventionGenetics, part of Exact Sciences
Classification: Likely benign for PKD1-related condition. Last evaluated: 2026-02-17. Review status: criteria provided, single submitter. Criteria: ACMG Guidelines, 2015. Collection method: clinical testing. Allele origin: germline.
Comment: This variant is classified as likely benign based on ACMG/AMP sequence variant interpretation guidelines (Richards et al. 2015 PMID: 25741868, with internal and published modifications).

Department of Pathology and Laboratory Medicine, Sinai Health System
Classification: Uncertain significance for Polycystic kidney disease, adult type. Last evaluated: 2023-10-27. Review status: criteria provided, single submitter. Criteria: ACMG Guidelines, 2015. Collection method: clinical testing. Allele origin: germline. Affected: yes.